The following is an entry in ClinVar:

NM_006939.4(SOS2):c.2943A>G (p.Ile981Met)

Gene: SOS2 (SOS Ras/Rho guanine nucleotide exchange factor 2; minus strand). Cytogenetic location: 14q21.3.
Variant type: single nucleotide variant.
Coding change: c.2943A>G on transcript NM_006939.4 (MANE Select); coding-DNA position 2943, A replaced by G.
Protein change: p.Ile981Met; replaces isoleucine 981 with methionine.
Molecular consequence: missense variant.
Genome position (GRCh38, 1-based): chr14:50,138,627, T>C on the plus strand (A>G on the coding strand, the complement: SOS2 is on the minus strand). VCF-style: chr14-50138627-T-C. GRCh37 (hg19) VCF-style: chr14-50605345-T-C.
Other names: c.2844A>G, p.Ile948Met (NM_001411020.1); short protein forms I948M, I981M.
Identifiers: ClinVar variation 4778839 (VCV004778839.1).

ClinVar aggregate classification (germline): Uncertain significance (1 of 4 stars; one submission).

Conditions:
Noonan syndrome 9 (NS9). Identifiers: Orphanet 648, MedGen C4225282, MONDO:0014691, OMIM 616559.

gnomAD v4.1: 1 of 1,547,136 alleles (0.000065%); highest among the groups gnomAD compares: South Asian, 0.0012%; no homozygotes.

Submission:

Labcorp Genetics (formerly Invitae), Labcorp
Classification: Uncertain significance for Noonan syndrome 9. Last evaluated: 2025-03-11. Review status: criteria provided, single submitter. Criteria: Invitae Variant Classification Sherloc (09022015). Collection method: clinical testing. Allele origin: germline.
Comment: This sequence change replaces isoleucine, which is neutral and non-polar, with methionine, which is neutral and non-polar, at codon 981 of the SOS2 protein (p.Ile981Met). This variant is not present in population databases (gnomAD no frequency). This variant has not been reported in the literature in individuals affected with SOS2-related conditions. Invitae Evidence Modeling of protein sequence and biophysical properties (such as structural, functional, and spatial information, amino acid conservation, physicochemical variation, residue mobility, and thermodynamic stability) indicates that this missense variant is not expected to disrupt SOS2 protein function with a negative predictive value of 95%. In summary, the available evidence is currently insufficient to determine the role of this variant in disease. Therefore, it has been classified as a Variant of Uncertain Significance.